The following is an entry in ClinVar:

NM_001372044.2(SHANK3):c.1962-2A>C

Genes: SHANK3 (SH3 and multiple ankyrin repeat domains 3; plus strand), LOC126863188 (CDK7 strongly-dependent group 2 enhancer GRCh37_chr22:51142004-51143203; plus strand). Cytogenetic location: 22q13.33.
Variant type: single nucleotide variant.
Coding change: c.1962-2A>C on transcript NM_001372044.2 (MANE Select); the canonical splice acceptor site of the intron before coding-DNA position 1962, A replaced by C.
Molecular consequence: splice acceptor variant.
Genome position (GRCh38, 1-based): chr22:50,704,736, A>C. VCF-style: chr22-50704736-A-C. GRCh37 (hg19) VCF-style: chr22-51143164-A-C.
Other names: c.1772-2A>C (NM_033517.1).
Identifiers: ClinVar variation 432387 (VCV000432387.2), dbSNP rs1555908702, ClinGen allele CA645372667.

ClinVar aggregate classification (germline): Likely pathogenic (1 of 4 stars; one submission).

Submission:

GeneDx
Classification: Likely pathogenic. Last evaluated: 2017-06-01. Review status: criteria provided, single submitter. Criteria: GeneDx Variant Classification (06012015). Collection method: clinical testing. Allele origin: germline. Affected: yes.
Comment: The c.1772-2 A>C variant in the SHANK3 gene has not been reported previously as a pathogenic variant nor as a benign variant, to our knowledge. This splice site variant destroys the canonical splice acceptor site in intron 14. It is predicted to cause abnormal gene splicing, either leading to an abnormal message that is subject to nonsense-mediated mRNA decay, or to an abnormal protein product if the message is used for protein translation. The c.1772-2 A>C variant is not observed in large population cohorts (Lek et al., 2016; 1000 Genomes Consortium et al., 2015; Exome Variant Server). We interpret c.1772-2 A>C as a likely pathogenic variant.